The following is an entry in ClinVar:

NM_205836.3(FBXO38):c.3277G>A (p.Val1093Ile)

Gene: FBXO38 (F-box protein 38; plus strand). Cytogenetic location: 5q32.
Variant type: single nucleotide variant.
Coding change: c.3277G>A on transcript NM_205836.3 (MANE Select); coding-DNA position 3277, G replaced by A.
Protein change: p.Val1093Ile; replaces valine 1093 with isoleucine.
Molecular consequence: missense variant.
Genome position (GRCh38, 1-based): chr5:148,441,126, G>A. VCF-style: chr5-148441126-G-A. GRCh37 (hg19) VCF-style: chr5-147820689-G-A.
Other names: c.2542G>A, p.Val848Ile (NM_001271723.2); c.3052G>A, p.Val1018Ile (NM_030793.5); short protein forms V1018I, V1093I, V848I.
Identifiers: ClinVar variation 950489 (VCV000950489.12), dbSNP rs779324806, ClinGen allele CA3497723.
Genomic context (GRCh38, chr5:148,441,126, plus strand): 5'-AGAATTTGGCTCTGTCAGCACTCCCACGCCAGTTAGCAATGTTACATTTGTCTTTTAGGT[G>A]TTGTGGATGGAGCTCCATATTCCATGATTTCTGACTTCCCTTGGCTGAGGTCATTACGAG-3'
Protein context (NP_995308.1, residues 1083-1103): WGREIYTLEG[Val1093Ile]VDGAPYSMIS

ClinVar aggregate classification (germline): Uncertain significance (1 of 4 stars; one submission).

Conditions:
Distal hereditary motor neuropathy type 2. Identifiers: Orphanet 139525, MedGen C3711384, MeSH C580044, MONDO:0015352.
Neuronopathy, distal hereditary motor, type 2D. Also called: SPINAL MUSCULAR ATROPHY, DISTAL, AUTOSOMAL DOMINANT, CALF-PREDOMINANT; NEURONOPATHY, DISTAL HEREDITARY MOTOR, HARDING TYPE IID; NEUROPATHY, DISTAL HEREDITARY MOTOR, HARDING TYPE IID; NEURONOPATHY, DISTAL HEREDITARY MOTOR, AUTOSOMAL DOMINANT 6; HMN IID. Identifiers: Orphanet 139525, MedGen C3888271, MONDO:0014259, OMIM 615575.

Allele frequency attached by ClinVar (database versions not stated): gnomAD exomes below 0.00001 and 0.00002; TOPMed below 0.00001; gnomAD 0.00001; ExAC 0.00002.
gnomAD v4.1: 5 of 1,612,766 alleles (0.00031%); highest among the groups gnomAD compares: East Asian, 0.0089%; no homozygotes.

Submission:

Labcorp Genetics (formerly Invitae), Labcorp
Classification: Uncertain significance for Distal hereditary motor neuropathy type 2. Last evaluated: 2024-05-20. Review status: criteria provided, single submitter. Criteria: Invitae Variant Classification Sherloc (09022015). Collection method: clinical testing. Allele origin: germline.
Comment: This sequence change replaces valine, which is neutral and non-polar, with isoleucine, which is neutral and non-polar, at codon 1018 of the FBXO38 protein (p.Val1018Ile). This variant is present in population databases (rs779324806, gnomAD 0.01%). This variant has not been reported in the literature in individuals affected with FBXO38-related conditions. ClinVar contains an entry for this variant (Variation ID: 950489). An algorithm developed to predict the effect of missense changes on protein structure and function (PolyPhen-2) suggests that this variant is likely to be disruptive. In summary, the available evidence is currently insufficient to determine the role of this variant in disease. Therefore, it has been classified as a Variant of Uncertain Significance.